The following is an entry in ClinVar:

NM_005141.5(FGB):c.886T>C (p.Trp296Arg)

Gene: FGB (fibrinogen beta chain; plus strand). Cytogenetic location: 4q31.3.
Variant type: single nucleotide variant.
Coding change: c.886T>C on transcript NM_005141.5 (MANE Select); coding-DNA position 886, T replaced by C.
Protein change: p.Trp296Arg; replaces tryptophan 296 with arginine.
Molecular consequence: missense variant. On other transcripts: intron variant (1).
Genome position (GRCh38, 1-based): chr4:154,569,235, T>C. VCF-style: chr4-154569235-T-C. GRCh37 (hg19) VCF-style: chr4-155490387-T-C.
Other names: c.709T>C, p.Trp237Arg (NM_001184741.1); c.754T>C, p.Trp252Arg (NM_001382759.1); c.886T>C, p.Trp296Arg (NM_001382760.1, NM_001382761.1, NM_001382764.1 and 1 more transcripts); c.877T>C, p.Trp293Arg (NM_001382763.1); c.746-366T>C (NM_001382762.1); short protein forms W237R, W252R, W293R, W296R.
Identifiers: ClinVar variation 2632478 (VCV002632478.1), dbSNP rs2530784473, ClinGen allele CA358513266.

ClinVar aggregate classification (germline): Uncertain significance (1 of 4 stars; one submission).

Conditions:
FGB-related disorder. Also called: FGB-related condition.

gnomAD v4.1: 1 of 1,614,034 alleles (0.000062%); no homozygotes.

Submission:

PreventionGenetics, part of Exact Sciences
Classification: Uncertain significance for FGB-related condition. Last evaluated: 2023-05-31. Review status: criteria provided, single submitter. Criteria: ACMG Guidelines, 2015. Collection method: clinical testing. Allele origin: germline.
Comment: The FGB c.886T>C variant is predicted to result in the amino acid substitution p.Trp296Arg. To our knowledge, this variant has not been reported in the literature or in a large population database, indicating this variant is rare. At this time, the clinical significance of this variant is uncertain due to the absence of conclusive functional and genetic evidence.